The following is an entry in ClinVar:

NM_020184.4(CNNM4):c.2170C>T (p.Arg724Cys)

Gene: CNNM4 (cyclin and CBS domain divalent metal cation transport mediator 4; plus strand). Cytogenetic location: 2q11.2.
Variant type: single nucleotide variant.
Coding change: c.2170C>T on transcript NM_020184.4 (MANE Select); coding-DNA position 2170, C replaced by T.
Protein change: p.Arg724Cys; replaces arginine 724 with cysteine.
Molecular consequence: missense variant.
Genome position (GRCh38, 1-based): chr2:96,809,359, C>T. VCF-style: chr2-96809359-C-T. GRCh37 (hg19) VCF-style: chr2-97475096-C-T.
Other names: short protein forms R724C.
Identifiers: ClinVar variation 937652 (VCV000937652.9), dbSNP rs1179786620, ClinGen allele CA347709509.

ClinVar aggregate classification (germline): Uncertain significance (1 of 4 stars; one submission).

Allele frequency attached by ClinVar (database versions not stated): gnomAD 0.00001; gnomAD exomes 0.00001.

Submission:

Labcorp Genetics (formerly Invitae), Labcorp
Classification: Uncertain significance. Last evaluated: 2021-12-24. Review status: criteria provided, single submitter. Criteria: Invitae Variant Classification Sherloc (09022015). Collection method: clinical testing. Allele origin: germline.
Comment: This sequence change replaces arginine, which is basic and polar, with cysteine, which is neutral and slightly polar, at codon 724 of the CNNM4 protein (p.Arg724Cys). In summary, the available evidence is currently insufficient to determine the role of this variant in disease. Therefore, it has been classified as a Variant of Uncertain Significance. Algorithms developed to predict the effect of missense changes on protein structure and function output the following: SIFT: "Deleterious"; PolyPhen-2: "Benign"; Align-GVGD: "Class C15". The cysteine amino acid residue is found in multiple mammalian species, which suggests that this missense change does not adversely affect protein function. ClinVar contains an entry for this variant (Variation ID: 937652). This variant has not been reported in the literature in individuals affected with CNNM4-related conditions. This variant is present in population databases (no rsID available, gnomAD 0.007%).